The following is an entry in ClinVar:

ClinVar aggregate classification (germline): Uncertain significance. Review status: criteria provided, single submitter (1 of 4 stars). 2 submissions from 2 submitters: Uncertain significance (1). 1 of the submissions does not count toward it. Last evaluated 2025-02-27.

Conditions:
CTPS1-related disorder. Also called: CTPS1-related condition.
Combined immunodeficiency due to CTPS1 deficiency. Also called: Immunodeficiency 24; Severe combined immunodeficiency due to CTPS1 deficiency. Identifiers: Orphanet 420573, MedGen C4014617, MONDO:0014391, OMIM 615897.

Allele frequency attached by ClinVar (database versions not stated): gnomAD exomes 0.00003; ExAC 0.00004; gnomAD 0.00006; TOPMed 0.00007.
gnomAD v4.1: 53 of 1,613,868 alleles (0.0033%); highest among the groups gnomAD compares: Admixed American, 0.015%; no homozygotes.

Submissions (2):

Labcorp Genetics (formerly Invitae), Labcorp
Classification: Uncertain significance for Combined immunodeficiency due to CTPS1 deficiency. Last evaluated: 2025-02-27. Review status: criteria provided, single submitter. Criteria: Invitae Variant Classification Sherloc (09022015). Collection method: clinical testing. Allele origin: germline.
Comment: This sequence change falls in intron 17 of the CTPS1 gene. It does not directly change the encoded amino acid sequence of the CTPS1 protein. It affects a nucleotide within the consensus splice site. This variant is present in population databases (rs765397908, gnomAD 0.02%). This variant has not been reported in the literature in individuals affected with CTPS1-related conditions. ClinVar contains an entry for this variant (Variation ID: 941961). Variants that disrupt the consensus splice site are a relatively common cause of aberrant splicing (PMID: 17576681, 9536098). Algorithms developed to predict the effect of sequence changes on RNA splicing suggest that this variant is not likely to affect RNA splicing. In summary, the available evidence is currently insufficient to determine the role of this variant in disease. Therefore, it has been classified as a Variant of Uncertain Significance.

PreventionGenetics, part of Exact Sciences
Classification: Likely benign for CTPS1-related condition. Last evaluated: 2023-10-11. Review status: no assertion criteria provided. Collection method: clinical testing. Allele origin: germline. Not counted in ClinVar's aggregate classification.
Comment: This variant is classified as likely benign based on ACMG/AMP sequence variant interpretation guidelines (Richards et al. 2015 PMID: 25741868, with internal and published modifications).

Literature cited by the submitters: PubMed 17576681 (cited by Labcorp Genetics (formerly Invitae), Labcorp); PubMed 9536098 (cited by Labcorp Genetics (formerly Invitae), Labcorp).

NM_001905.4(CTPS1):c.1691+6C>T

Gene: CTPS1 (CTP synthase 1; plus strand). Cytogenetic location: 1p34.2.
Variant type: single nucleotide variant.
Coding change: c.1691+6C>T on transcript NM_001905.4 (MANE Select); 6 bases into the intron after coding-DNA position 1691, C replaced by T.
Molecular consequence: intron variant.
Genome position (GRCh38, 1-based): chr1:41,009,595, C>T. VCF-style: chr1-41009595-C-T. GRCh37 (hg19) VCF-style: chr1-41475267-C-T.
Other names: c.1223+6C>T (NM_001301237.2).
Identifiers: ClinVar variation 941961 (VCV000941961.9), dbSNP rs765397908, ClinGen allele CA795587.